The following is an entry in ClinVar:

NM_001378454.1(ALMS1):c.1466C>G (p.Thr489Ser)

Gene: ALMS1 (ALMS1 centrosome and basal body associated protein; plus strand). Cytogenetic location: 2p13.1.
Variant type: single nucleotide variant.
Coding change: c.1466C>G on transcript NM_001378454.1 (MANE Select); coding-DNA position 1466, C replaced by G.
Protein change: p.Thr489Ser; replaces threonine 489 with serine.
Molecular consequence: missense variant.
Genome position (GRCh38, 1-based): chr2:73,447,993, C>G. VCF-style: chr2-73447993-C-G. GRCh37 (hg19) VCF-style: chr2-73675123-C-G.
Other names: c.1469C>G, p.Thr490Ser (NM_015120.4); short protein forms T489S, T490S.
Identifiers: ClinVar variation 3364127 (VCV003364127.1).
Genomic context (GRCh38, chr2:73,447,993, plus strand): 5'-ACTATTAACAAATCTCTTTTTCTTTAGGAGACACTTCTAAAGGAGGCATAGCTAAAGTTA[C>G]TCAATCCAACTTGAAGTCAGGCATCACTACCACTCCTGTTGATTCAGACATTGGATCTCA-3'
Protein context (NP_001365383.1, residues 479-499): DTSKGGIAKV[Thr489Ser]QSNLKSGITT

ClinVar aggregate classification (germline): Uncertain significance (1 of 4 stars; one submission).

gnomAD v4.1: 1 of 1,613,396 alleles (0.000062%); highest among the groups gnomAD compares: African/African-American, 0.0013%; no homozygotes.

Submission:

GeneDx
Classification: Uncertain significance. Last evaluated: 2023-11-16. Review status: criteria provided, single submitter. Criteria: GeneDx Variant Classification Process June 2021. Collection method: clinical testing. Allele origin: germline. Affected: yes.
Comment: Not observed at significant frequency in large population cohorts (gnomAD); Has not been previously published as pathogenic or benign to our knowledge; In-silico analysis is inconclusive as to whether the variant impacts protein structure/function. In the absence of functional studies, the actual effect of this sequence change is unknown